The following is an entry in ClinVar:

ClinVar aggregate classification (germline): Likely pathogenic (1 of 4 stars; one submission).

Conditions:
3MC syndrome 1. Also called: MICHELS SYNDROME; CRANIOSYNOSTOSIS WITH LID ANOMALIES; OCULOPALATOSKELETAL SYNDROME. Identifiers: Orphanet 293843, MedGen C0796059, MONDO:0009770, OMIM 257920.

Submission:

Women's Health and Genetics/Laboratory Corporation of America, LabCorp
Classification: Likely pathogenic for 3MC syndrome 1. Last evaluated: 2022-10-12. Review status: criteria provided, single submitter. Criteria: LabCorp Variant Classification Summary - May 2015. Collection method: clinical testing. Allele origin: germline.
Comment: Variant summary: MASP1 c.1498delG (p.Asp500IlefsX65) results in a premature termination codon, predicted to cause a truncation of the encoded protein or absence of the protein due to nonsense mediated decay, which are commonly known mechanisms for disease. The variant was absent in 248690 control chromosomes (gnomAD). To our knowledge, no occurrence of c.1498delG in individuals affected with 3MC Syndrome 1 and no experimental evidence demonstrating its impact on protein function have been reported. No clinical diagnostic laboratories have submitted clinical-significance assessments for this variant to ClinVar after 2014. Based on the evidence outlined above, the variant was classified as likely pathogenic.

NM_001879.6(MASP1):c.1498del (p.Asp500fs)

Gene: MASP1 (MBL associated serine protease 1; minus strand). Cytogenetic location: 3q27.3.
Variant type: Deletion.
Coding change: c.1498del on transcript NM_001879.6 (MANE Plus Clinical); coding-DNA position 1498, one base deleted (G; older notation c.1498delG).
Protein change: p.Asp500fs; shifts the reading frame from aspartic acid 500.
Molecular consequence: frameshift variant.
Genome position (GRCh38, 1-based): chr3:187,226,464, C deleted on the plus strand (G on the coding strand, the reverse complement: MASP1 is on the minus strand). VCF-style (leftmost placement, unchanged base first): chr3-187226463-TC-T. GRCh37 (hg19) VCF-style: chr3-186944251-TC-T.
Other names: short protein forms D500fs.
Identifiers: ClinVar variation 1723297 (VCV001723297.1), dbSNP rs2474093039, ClinGen allele CA2580070506.